The following is an entry in ClinVar:

NM_001206927.2(DNAH8):c.10794T>G (p.Leu3598=)

Genes: DNAH8 (dynein axonemal heavy chain 8; plus strand), DNAH8-AS1 (DNAH8 antisense RNA 1; minus strand). Cytogenetic location: 6p21.2.
Variant type: single nucleotide variant.
Coding change: c.10794T>G on transcript NM_001206927.2 (MANE Select); coding-DNA position 10794, T replaced by G.
Protein change: p.Leu3598=; no amino-acid change (leucine 3598 retained).
Molecular consequence: synonymous variant.
Genome position (GRCh38, 1-based): chr6:38,923,994, T>G. VCF-style: chr6-38923994-T-G. GRCh37 (hg19) VCF-style: chr6-38891770-T-G.
Other names: c.10143T>G, p.Leu3381= (NM_001371.4).
Identifiers: ClinVar variation 454536 (VCV000454536.18), dbSNP rs116250863, ClinGen allele CA3790845.

ClinVar aggregate classification (germline): Conflicting classifications of pathogenicity. Review status: criteria provided, conflicting classifications (1 of 4 stars). 4 submissions from 4 submitters: Uncertain significance (1); Likely benign (3). Last evaluated 2026-01-01.

Conditions:
Primary ciliary dyskinesia. Also called: Ciliary dyskinesia. Identifiers: Orphanet 244, MedGen C0008780, MONDO:0016575, HP:0012265.

Allele frequency attached by ClinVar (database versions not stated): gnomAD exomes 0.00008 and 0.00018; ExAC 0.00018; 1000 Genomes Project 0.00040; 1000 Genomes Project 30x 0.00047; gnomAD 0.00066 and 0.00071; ESP Exome Variant Server 0.00069; TOPMed 0.00091.
gnomAD v4.1: 220 of 1,613,940 alleles (0.014%); highest among the groups gnomAD compares: African/African-American, 0.25%; no homozygotes.

Submissions (4):

CeGaT Center for Human Genetics Tuebingen
Classification: Likely benign. Last evaluated: 2026-01-01. Review status: criteria provided, single submitter. Criteria: CeGaT Center For Human Genetics Tuebingen Variant Classification Criteria Version 2. Collection method: clinical testing. Allele origin: germline. Affected: yes. Observed: 1 variant allele.
Comment: DNAH8: BP4, BP7

Labcorp Genetics (formerly Invitae), Labcorp
Classification: Likely benign for Primary ciliary dyskinesia. Last evaluated: 2025-12-03. Review status: criteria provided, single submitter. Criteria: Invitae Variant Classification Sherloc (09022015). Collection method: clinical testing. Allele origin: germline.

Blueprint Genetics
Classification: Uncertain significance. Last evaluated: 2023-02-23. Review status: criteria provided, single submitter. Criteria: ACMG Guidelines, 2015. Collection method: clinical testing. Allele origin: germline.

Breakthrough Genomics
Classification: Likely benign. Review status: criteria provided, single submitter. Criteria: ACMG Guidelines, 2015. Collection method: not provided. Allele origin: germline. Inheritance: Autosomal recessive inheritance. Affected: yes.